The following is an entry in ClinVar:

ClinVar aggregate classification (germline): Uncertain significance. Review status: criteria provided, multiple submitters, no conflicts (2 of 4 stars). 7 submissions from 7 submitters: Uncertain significance (5). 2 of the submissions do not count toward it. Last evaluated 2024-10-21.

Conditions:
BBS1-related disorder. Also called: BBS1-related condition.
Inborn genetic diseases. Identifiers: MedGen C0950123, MeSH D030342.
Bardet-Biedl syndrome 1 (BBS1). Identifiers: MedGen C2936862, MONDO:0008854, OMIM 209900. Disease mechanism: loss of function.
Bardet-Biedl syndrome (BBS). Identifiers: Orphanet 110, MedGen C0752166, MONDO:0015229.

Allele frequency attached by ClinVar (database versions not stated): 1000 Genomes Project 30x 0.00016; gnomAD 0.00019; 1000 Genomes Project 0.00020; TOPMed 0.00030; ExAC 0.00009; ESP Exome Variant Server 0.00023; gnomAD exomes 0.00009.
gnomAD v4.1: 167 of 1,614,074 alleles (0.01%); highest among the groups gnomAD compares: African/African-American, 0.055%; no homozygotes.

Submissions (7):

Labcorp Genetics (formerly Invitae), Labcorp
Classification: Uncertain significance for Bardet-Biedl syndrome. Last evaluated: 2024-10-21. Review status: criteria provided, single submitter. Criteria: Invitae Variant Classification Sherloc (09022015). Collection method: clinical testing. Allele origin: germline.
Comment: This sequence change replaces isoleucine, which is neutral and non-polar, with threonine, which is neutral and polar, at codon 296 of the BBS1 protein (p.Ile296Thr). This variant is present in population databases (rs145094101, gnomAD 0.07%). This variant has not been reported in the literature in individuals affected with BBS1-related conditions. ClinVar contains an entry for this variant (Variation ID: 574647). Invitae Evidence Modeling of protein sequence and biophysical properties (such as structural, functional, and spatial information, amino acid conservation, physicochemical variation, residue mobility, and thermodynamic stability) has been performed for this missense variant. However, the output from this modeling did not meet the statistical confidence thresholds required to predict the impact of this variant on BBS1 protein function. In summary, the available evidence is currently insufficient to determine the role of this variant in disease. Therefore, it has been classified as a Variant of Uncertain Significance.

Blueprint Genetics
Classification: Uncertain significance. Last evaluated: 2024-07-01. Review status: criteria provided, single submitter. Criteria: ACMG Guidelines, 2015. Collection method: clinical testing. Allele origin: germline.

Fulgent Genetics
Classification: Uncertain significance for Bardet-Biedl syndrome 1. Last evaluated: 2024-06-25. Review status: criteria provided, single submitter. Criteria: ACMG Guidelines, 2015. Collection method: clinical testing. Allele origin: germline.

Revvity Omics, Revvity
Classification: Uncertain significance for Bardet-Biedl syndrome 1. Last evaluated: 2021-08-20. Review status: criteria provided, single submitter. Criteria: ACMG Guidelines, 2015. Collection method: clinical testing. Allele origin: germline.

Ambry Genetics
Classification: Uncertain significance for Inborn genetic diseases. Last evaluated: 2021-08-17. Review status: criteria provided, single submitter. Criteria: Ambry Variant Classification Scheme 2023. Collection method: clinical testing. Allele origin: germline.

PreventionGenetics, part of Exact Sciences
Classification: Uncertain significance for BBS1-related condition. Last evaluated: 2024-03-05. Review status: no assertion criteria provided. Collection method: clinical testing. Allele origin: germline. Not counted in ClinVar's aggregate classification.
Comment: The BBS1 c.887T>C variant is predicted to result in the amino acid substitution p.Ile296Thr. To our knowledge, this variant has not been reported in the literature. This variant is reported in 0.064% of alleles in individuals of African descent in gnomAD, which may be too common to be an undocumented disease causing variant. Although we suspect this variant may be benign, at this time its clinical significance is uncertain due to the absence of conclusive functional and genetic evidence.

Natera, Inc.
Classification: Uncertain significance for Bardet-Biedl syndrome type 1. Last evaluated: 2020-04-14. Review status: no assertion criteria provided. Collection method: clinical testing. Allele origin: germline. Not counted in ClinVar's aggregate classification.

NM_024649.5(BBS1):c.887T>C (p.Ile296Thr)

Genes: BBS1 (Bardet-Biedl syndrome 1; plus strand), ZDHHC24 (zDHHC palmitoyltransferase 24; minus strand). Cytogenetic location: 11q13.2.
Variant type: single nucleotide variant.
Coding change: c.887T>C on transcript NM_024649.5 (MANE Select); coding-DNA position 887, T replaced by C.
Protein change: p.Ile296Thr; replaces isoleucine 296 with threonine.
Molecular consequence: missense variant. On other transcripts: intron variant (1).
Genome position (GRCh38, 1-based): chr11:66,523,512, T>C. VCF-style: chr11-66523512-T-C. GRCh37 (hg19) VCF-style: chr11-66290983-T-C.
Other names: c.*22-2046A>G (NM_001348571.2); short protein forms I296T.
Identifiers: ClinVar variation 574647 (VCV000574647.17), dbSNP rs145094101, ClinGen allele CA6123541.